The following is an entry in ClinVar:

NM_032108.4(SEMA6B):c.2011G>A (p.Gly671Ser)

Gene: SEMA6B (semaphorin 6B; minus strand). Cytogenetic location: 19p13.3.
Variant type: single nucleotide variant.
Coding change: c.2011G>A on transcript NM_032108.4 (MANE Select); coding-DNA position 2011, G replaced by A.
Protein change: p.Gly671Ser; replaces glycine 671 with serine.
Molecular consequence: missense variant.
Genome position (GRCh38, 1-based): chr19:4,544,257, C>T on the plus strand (G>A on the coding strand, the complement: SEMA6B is on the minus strand). VCF-style: chr19-4544257-C-T. GRCh37 (hg19) VCF-style: chr19-4544269-C-T.
Other names: short protein forms G671S.
Identifiers: ClinVar variation 2355485 (VCV002355485.4), dbSNP rs528232558, ClinGen allele CA9102270.
Genomic context (GRCh38, chr19:4,544,257, plus strand): 5'-TGGCCCAGCCGTTCTGCATCAGGGGCGCCAGCAGGGCCTCCGGGGGAACCCCGGCGCCAC[C>T]GCCACCGCCTCCGCCCCGGCCCCCGGGACCCTGCGCCCTGCGCTCGCCCAGGCGGCTGAC-3'
Protein context (NP_115484.2, residues 661-681): GPGGRGGGGG[Gly671Ser]GAGVPPEALL

ClinVar aggregate classification (germline): Likely benign. Review status: criteria provided, single submitter (1 of 4 stars). 2 submissions from 2 submitters: Likely benign (1). 1 of the submissions does not count toward it. Last evaluated 2022-02-15.

Conditions:
Inborn genetic diseases. Identifiers: MedGen C0950123, MeSH D030342.
SEMA6B-related disorder. Also called: SEMA6B-related condition.

Allele frequency attached by ClinVar (database versions not stated): 1000 Genomes Project 0.00060; 1000 Genomes Project 30x 0.00094; gnomAD 0.00106; TOPMed 0.00112.
gnomAD v4.1: 277 of 1,281,980 alleles (0.022%); highest among the groups gnomAD compares: African/African-American, 0.39%; no homozygotes.

Submissions (2):

Ambry Genetics
Classification: Likely benign for Inborn genetic diseases. Last evaluated: 2022-02-15. Review status: criteria provided, single submitter. Criteria: Ambry Variant Classification Scheme 2023. Collection method: clinical testing. Allele origin: germline.

PreventionGenetics, part of Exact Sciences
Classification: Likely benign for SEMA6B-related condition. Last evaluated: 2022-03-09. Review status: no assertion criteria provided. Collection method: clinical testing. Allele origin: germline. Not counted in ClinVar's aggregate classification.
Comment: This variant is classified as likely benign based on ACMG/AMP sequence variant interpretation guidelines (Richards et al. 2015 PMID: 25741868, with internal and published modifications).